The following is an entry in ClinVar:

NM_000426.4(LAMA2):c.3244C>T (p.His1082Tyr)

Gene: LAMA2 (laminin subunit alpha 2; plus strand). Cytogenetic location: 6q22.33.
Variant type: single nucleotide variant.
Coding change: c.3244C>T on transcript NM_000426.4 (MANE Select); coding-DNA position 3244, C replaced by T.
Protein change: p.His1082Tyr; replaces histidine 1082 with tyrosine.
Molecular consequence: missense variant.
Genome position (GRCh38, 1-based): chr6:129,312,930, C>T. VCF-style: chr6-129312930-C-T. GRCh37 (hg19) VCF-style: chr6-129634075-C-T.
Other names: c.3244C>T, p.His1082Tyr (NM_001079823.2); short protein forms H1082Y.
Identifiers: ClinVar variation 373189 (VCV000373189.20), dbSNP rs146490004, ClinGen allele CA3993219.

ClinVar aggregate classification (germline): Conflicting classifications of pathogenicity. Review status: criteria provided, conflicting classifications (1 of 4 stars). 8 submissions from 8 submitters: Uncertain significance (6); Likely benign (1). 1 of the submissions does not count toward it. Last evaluated 2026-01-19.

Conditions:
Inborn genetic diseases. Identifiers: MedGen C0950123, MeSH D030342.
Intellectual disability. Also called: Intellectual functioning disability; intellectual disabilities; Intellectual developmental disorder. Identifiers: MedGen C3714756, MeSH D008607, MONDO:0001071, HP:0001249.
Muscular dystrophy, limb-girdle, autosomal recessive 23. Identifiers: Orphanet 565837, MedGen C4748327, MONDO:0029136, OMIM 618138.
Merosin deficient congenital muscular dystrophy (MDC1A). Also called: Congenital merosin-deficient muscular dystrophy 1A; Congenital Muscular Dystrophy Type 1A (MDC1A). Identifiers: Orphanet 258, MedGen C1263858, MONDO:0011925, OMIM 607855.
LAMA2-related muscular dystrophy (LAMA2-RD). Also called: Laminin alpha 2-related dystrophy. Identifiers: MedGen C5679788, MONDO:0100228.

Allele frequency attached by ClinVar (database versions not stated): ExAC 0.00015; gnomAD exomes 0.00019 and 0.00049; TOPMed 0.00025; gnomAD 0.00027 and 0.00028; ESP Exome Variant Server 0.00069.
gnomAD v4.1: 747 of 1,614,078 alleles (0.046%); highest among the groups gnomAD compares: Non-Finnish European, 0.061%; 1 homozygote.

Submissions (8):

Labcorp Genetics (formerly Invitae), Labcorp
Classification: Likely benign for LAMA2-related muscular dystrophy. Last evaluated: 2026-01-19. Review status: criteria provided, single submitter. Criteria: Invitae Variant Classification Sherloc (09022015). Collection method: clinical testing. Allele origin: germline.

Blueprint Genetics
Classification: Uncertain significance. Last evaluated: 2024-10-09. Review status: criteria provided, single submitter. Criteria: ACMG Guidelines, 2015. Collection method: clinical testing. Allele origin: germline.

Ambry Genetics
Classification: Uncertain significance for Inborn genetic diseases. Last evaluated: 2021-05-16. Review status: criteria provided, single submitter. Criteria: Ambry Variant Classification Scheme 2023. Collection method: clinical testing. Allele origin: germline.

Mayo Clinic Laboratories, Mayo Clinic
Classification: Uncertain significance. Last evaluated: 2020-05-28. Review status: criteria provided, single submitter. Criteria: ACMG Guidelines, 2015. Collection method: clinical testing. Allele origin: germline. Observed: 2 variant alleles.

Revvity Omics, Revvity
Classification: Uncertain significance. Last evaluated: 2020-02-20. Review status: criteria provided, single submitter. Criteria: ACMG Guidelines, 2015. Collection method: clinical testing. Allele origin: germline.

Fulgent Genetics
Classification: Uncertain significance for Merosin deficient congenital muscular dystrophy; Muscular dystrophy, limb-girdle, autosomal recessive 23. Last evaluated: 2018-10-31. Review status: criteria provided, single submitter. Criteria: ACMG Guidelines, 2015. Collection method: clinical testing. Allele origin: unknown.

GeneDx
Classification: Uncertain significance. Last evaluated: 2016-11-11. Review status: criteria provided, single submitter. Criteria: GeneDx Variant Classification (06012015). Collection method: clinical testing. Allele origin: germline. Affected: yes.
Comment: The H1082Y variant has not been published as a pathogenic variant, nor has it been reported as a benign variant to our knowledge. It was not observed with any significant frequency in approximately 6,500 individuals of European and African American ancestry in the NHLBI Exome Sequencing Project. The H1082Y variant is a non-conservative amino acid substitution, which is likely to impact secondary protein structure as these residues differ in polarity, charge, size and/or other properties. This substitution occurs at a position where amino acids with similar properties to Histidine are tolerated across species. In silico analysis is inconsistent in its predictions as to whether or not the variant is damaging to the protein structure/function.

Centre de Biologie Pathologie Génétique, Centre Hospitalier Universitaire de Lille
Classification: Uncertain significance for Intellectual disability. Last evaluated: 2019-01-01. Review status: no assertion criteria provided. Collection method: clinical testing. Allele origin: unknown. Affected: yes. Not counted in ClinVar's aggregate classification.